The following is an entry in ClinVar:

ClinVar aggregate classification (germline): Uncertain significance (1 of 4 stars; one submission).

Submission:

CeGaT Center for Human Genetics Tuebingen
Classification: Uncertain significance. Last evaluated: 2025-02-01. Review status: criteria provided, single submitter. Criteria: CeGaT Center For Human Genetics Tuebingen Variant Classification Criteria Version 2. Collection method: clinical testing. Allele origin: germline. Affected: yes. Observed: 1 variant allele.
Comment: SCN8A: PM2, PP3

NM_001330260.2(SCN8A):c.1718G>T (p.Arg573Leu)

Gene: SCN8A (sodium voltage-gated channel alpha subunit 8; plus strand). Cytogenetic location: 12q13.13.
Variant type: single nucleotide variant.
Coding change: c.1718G>T on transcript NM_001330260.2 (MANE Select); coding-DNA position 1718, G replaced by T.
Protein change: p.Arg573Leu; replaces arginine 573 with leucine.
Molecular consequence: missense variant.
Genome position (GRCh38, 1-based): chr12:51,721,628, G>T. VCF-style: chr12-51721628-G-T. GRCh37 (hg19) VCF-style: chr12-52115412-G-T.
Other names: c.1718G>T, p.Arg573Leu (NM_001177984.3, NM_001369788.1, NM_014191.4); short protein forms R573L.
Identifiers: ClinVar variation 3771718 (VCV003771718.13).